The following is an entry in ClinVar:

ClinVar aggregate classification (germline): Uncertain significance. Review status: criteria provided, multiple submitters, no conflicts (2 of 4 stars). 3 submissions from 3 submitters: Uncertain significance (3). Last evaluated 2026-05-29.

Conditions:
Charcot-Marie-Tooth disease, type I (CMT1). Also called: Charcot-Marie-Tooth disease type 1; Charcot-Marie-Tooth, Type 1. Identifiers: Orphanet 65753, MedGen C0751036, MONDO:0019011.

Submissions (3):

Women's Health and Genetics/Laboratory Corporation of America, LabCorp
Classification: Uncertain significance. Last evaluated: 2026-05-29. Review status: criteria provided, single submitter. Criteria: LabCorp Variant Classification Summary - May 2015. Collection method: clinical testing. Allele origin: germline.
Comment: Variant summary: MPZ c.223G>T (p.Asp75Tyr) results in a non-conservative amino acid change in the encoded protein sequence. Algorithms developed to predict the effect of missense changes on protein structure and function are either unavailable or do not agree on the potential impact of this missense change. The frequency data for this variant in gnomAD is considered unreliable, as metrics indicate poor data quality at this position. c.223G>T has been observed in individuals affected with MPZ-related conditions without strong evidence of causality (e.g. Cortese_2020, Sharma_2022). These reports do not provide unequivocal conclusions about association of the variant with disease. To our knowledge, no experimental evidence demonstrating an impact on protein function has been reported. The following publications have been ascertained in the context of this evaluation (PMID: 31827005, 35936615). ClinVar contains an entry for this variant (Variation ID: 1256568). Based on the evidence outlined above, the variant was classified as uncertain significance.

Labcorp Genetics (formerly Invitae), Labcorp
Classification: Uncertain significance for Charcot-Marie-Tooth disease, type I. Last evaluated: 2023-08-01. Review status: criteria provided, single submitter. Criteria: Invitae Variant Classification Sherloc (09022015). Collection method: clinical testing. Allele origin: germline.
Comment: This variant is not present in population databases (gnomAD no frequency). This sequence change replaces aspartic acid, which is acidic and polar, with tyrosine, which is neutral and polar, at codon 75 of the MPZ protein (p.Asp75Tyr). In summary, the available evidence is currently insufficient to determine the role of this variant in disease. Therefore, it has been classified as a Variant of Uncertain Significance. This variant disrupts the p.Asp75 amino acid residue in MPZ. Other variant(s) that disrupt this residue have been determined to be pathogenic (PMID: 11080237, 12402337). This suggests that this residue is clinically significant, and that variants that disrupt this residue are likely to be disease-causing. An algorithm developed to predict the effect of missense changes on protein structure and function (PolyPhen-2) suggests that this variant is likely to be disruptive. ClinVar contains an entry for this variant (Variation ID: 1256568). This missense change has been observed in individual(s) with Charcot-Marie-Tooth disease (PMID: 31827005).

Athena Diagnostics
Classification: Uncertain significance. Last evaluated: 2021-02-26. Review status: criteria provided, single submitter. Criteria: Athena Diagnostics criteria. Collection method: clinical testing. Allele origin: unknown.

Literature cited by the submitters: PubMed 31827005 (cited by Women's Health and Genetics/Laboratory Corporation of America, LabCorp and Labcorp Genetics (formerly Invitae), Labcorp); PubMed 35936615 (cited by Women's Health and Genetics/Laboratory Corporation of America, LabCorp); PubMed 11080237 (cited by Labcorp Genetics (formerly Invitae), Labcorp); PubMed 12402337 (cited by Labcorp Genetics (formerly Invitae), Labcorp); PubMed 30212743 (cited by Athena Diagnostics).

NM_000530.8(MPZ):c.223G>T (p.Asp75Tyr)

Gene: MPZ (myelin protein zero; minus strand). Cytogenetic location: 1q23.3.
Variant type: single nucleotide variant.
Coding change: c.223G>T on transcript NM_000530.8 (MANE Select); coding-DNA position 223, G replaced by T.
Protein change: p.Asp75Tyr; replaces aspartic acid 75 with tyrosine.
Molecular consequence: missense variant.
Genome position (GRCh38, 1-based): chr1:161,307,269, C>A on the plus strand (G>T on the coding strand, the complement: MPZ is on the minus strand). VCF-style: chr1-161307269-C-A. GRCh37 (hg19) VCF-style: chr1-161277059-C-A.
Other names: c.223G>T, p.Asp75Tyr (NM_001315491.2); short protein forms D75Y.
Identifiers: ClinVar variation 1256568 (VCV001256568.5), dbSNP rs2102259788, ClinGen allele CA343350306.
Genomic context (GRCh38, chr1:161,307,269, plus strand): 5'-TTTGAAGCACTTTCTGTTATCCAACCCCAGGATTCCCCCAGGCACTCACCGAAATGGCAT[C>A]TCTGCCCCCTTCGGGCTGGTAGCGCCAGGTGAAGGAGATGTCATCTGAGACCCACTCACT-3'
Protein context (NP_000521.2, residues 65-85): TWRYQPEGGR[Asp75Tyr]AISIFHYAKG